The following is an entry in ClinVar:

NM_001388492.1(HTT):c.123GCC[8] (p.Pro49dup)

Genes: HTT (huntingtin; plus strand), LOC129929027 (ATAC-STARR-seq lymphoblastoid silent region 15199; plus strand). Cytogenetic location: 4p16.3.
Variant type: Microsatellite.
Coding change: c.123GCC[8] on transcript NM_001388492.1 (MANE Select); eight copies in a row of the 3-base unit GCC starting at c.123; the reference has seven copies in a row; one copy, 3 bases duplicated.
Protein change: p.Pro49dup; duplicates proline 49.
Molecular consequence: inframe insertion.
Genome position (GRCh38, 1-based): chr4:3,074,966-3,074,968, GCC duplicated; duplicating any 3 consecutive bases within chr4:3,074,946-3,074,968 gives the same sequence; the position shown is the placement nearest the transcript's 3' end. VCF-style (leftmost placement, unchanged base first): chr4-3074945-A-ACCG. GRCh37 (hg19) VCF-style: chr4-3076672-A-ACCG.
Other names: c.129GCC[8], p.Pro51dup (NM_002111.8).
Identifiers: ClinVar variation 599433 (VCV000599433.18), dbSNP rs772429544, ClinGen allele CA549705089.

ClinVar aggregate classification (germline): Benign/Likely benign. Review status: criteria provided, multiple submitters, no conflicts (2 of 4 stars). 2 submissions from 2 submitters: Benign (1); Likely benign (1). Last evaluated 2025-02-01.

Submissions (2):

CeGaT Center for Human Genetics Tuebingen
Classification: Likely benign. Last evaluated: 2025-02-01. Review status: criteria provided, single submitter. Criteria: CeGaT Center For Human Genetics Tuebingen Variant Classification Criteria Version 2. Collection method: clinical testing. Allele origin: germline. Affected: yes. Observed: 1 variant allele.
Comment: HTT: BS2

Institute for Genomic Medicine (IGM) Clinical Laboratory, Nationwide Children's Hospital
Classification: Benign. Last evaluated: 2017-07-06. Review status: criteria provided, single submitter. Criteria: ACMG Guidelines, 2015. Collection method: clinical testing. Allele origin: germline.
Comment: Normal variation in repetative sequence